The following is an entry in ClinVar:

NM_016169.4(SUFU):c.310G>A (p.Val104Ile)

Gene: SUFU (SUFU negative regulator of hedgehog signaling; plus strand). Cytogenetic location: 10q24.32.
Variant type: single nucleotide variant.
Coding change: c.310G>A on transcript NM_016169.4 (MANE Select); coding-DNA position 310, G replaced by A.
Protein change: p.Val104Ile; replaces valine 104 with isoleucine.
Molecular consequence: missense variant.
Genome position (GRCh38, 1-based): chr10:102,509,296, G>A. VCF-style: chr10-102509296-G-A. GRCh37 (hg19) VCF-style: chr10-104269053-G-A.
Other names: c.310G>A, p.Val104Ile (NM_001178133.2); short protein forms V104I.
Identifiers: ClinVar variation 5030393 (VCV005030393.1).

ClinVar aggregate classification (germline): Uncertain significance (1 of 4 stars; one submission).

Conditions:
Hereditary cancer-predisposing syndrome. Also called: Neoplastic Syndromes, Hereditary; Tumor predisposition; Hereditary neoplastic syndrome; Hereditary Cancer Syndrome. Identifiers: Orphanet 140162, MedGen C0027672, MeSH D009386, MONDO:0015356.

Submission:

Ambry Genetics
Classification: Uncertain significance for Hereditary cancer-predisposing syndrome. Last evaluated: 2026-07-07. Review status: criteria provided, single submitter. Criteria: Ambry Variant Classification Scheme 2023. Collection method: clinical testing. Allele origin: germline.
Comment: The p.V104I variant (also known as c.310G>A), located in coding exon 2 of the SUFU gene, results from a G to A substitution at nucleotide position 310. The valine at codon 104 is replaced by isoleucine, an amino acid with highly similar properties. This amino acid position is conserved. In addition, the in silico prediction for this alteration is inconclusive. Based on the available evidence, the clinical significance of this variant remains unclear.